The following is an entry in ClinVar:

ClinVar aggregate classification (germline): Uncertain significance. Review status: criteria provided, single submitter (1 of 4 stars). 2 submissions from 2 submitters: Uncertain significance (1). 1 of the submissions does not count toward it. Last evaluated 2025-12-14.

Conditions:
KMT2A-related disorder. Also called: KMT2A-related condition.

Allele frequency attached by ClinVar (database versions not stated): gnomAD exomes 0.00001; gnomAD 0.00002; TOPMed 0.00002.
gnomAD v4.1: 24 of 1,542,342 alleles (0.0016%); highest among the groups gnomAD compares: Non-Finnish European, 0.0019%; no homozygotes.

Submissions (2):

Labcorp Genetics (formerly Invitae), Labcorp
Classification: Uncertain significance. Last evaluated: 2025-12-14. Review status: criteria provided, single submitter. Criteria: Invitae Variant Classification Sherloc (09022015). Collection method: clinical testing. Allele origin: germline.
Comment: This sequence change falls in intron 13 of the KMT2A gene. It does not directly change the encoded amino acid sequence of the KMT2A protein. It affects a nucleotide within the consensus splice site. This variant is present in population databases (no rsID available, gnomAD 0.003%). This variant has not been reported in the literature in individuals affected with KMT2A-related conditions. ClinVar contains an entry for this variant (Variation ID: 1450296). Variants that disrupt the consensus splice site are a relatively common cause of aberrant splicing (PMID: 17576681, 9536098). Algorithms developed to predict the effect of sequence changes on RNA splicing suggest that this variant is not likely to affect RNA splicing. In summary, the available evidence is currently insufficient to determine the role of this variant in disease. Therefore, it has been classified as a Variant of Uncertain Significance.

PreventionGenetics, part of Exact Sciences
Classification: Likely benign for KMT2A-related condition. Last evaluated: 2020-02-10. Review status: no assertion criteria provided. Collection method: clinical testing. Allele origin: germline. Not counted in ClinVar's aggregate classification.
Comment: This variant is classified as likely benign based on ACMG/AMP sequence variant interpretation guidelines (Richards et al. 2015 PMID: 25741868, with internal and published modifications).

Literature cited by the submitters: PubMed 17576681 (cited by Labcorp Genetics (formerly Invitae), Labcorp); PubMed 9536098 (cited by Labcorp Genetics (formerly Invitae), Labcorp).

NM_001197104.2(KMT2A):c.4696+6C>A

Gene: KMT2A (lysine methyltransferase 2A; plus strand). Cytogenetic location: 11q23.3.
Variant type: single nucleotide variant.
Coding change: c.4696+6C>A on transcript NM_001197104.2 (MANE Select); 6 bases into the intron after coding-DNA position 4696, C replaced by A.
Molecular consequence: intron variant.
Genome position (GRCh38, 1-based): chr11:118,490,255, C>A. VCF-style: chr11-118490255-C-A. GRCh37 (hg19) VCF-style: chr11-118360970-C-A.
Other names: c.4696+6C>A (NM_001197104.1, NM_005933.4).
Identifiers: ClinVar variation 1450296 (VCV001450296.8), dbSNP rs534620846, ClinGen allele CA6303923.